The following is an entry in ClinVar:

NM_000245.4(MET):c.524G>A (p.Cys175Tyr)

Gene: MET (MET proto-oncogene, receptor tyrosine kinase; plus strand). Cytogenetic location: 7q31.2.
Variant type: single nucleotide variant.
Coding change: c.524G>A on transcript NM_000245.4 (MANE Select); coding-DNA position 524, G replaced by A.
Protein change: p.Cys175Tyr; replaces cysteine 175 with tyrosine.
Molecular consequence: missense variant. On other transcripts: intron variant (1).
Genome position (GRCh38, 1-based): chr7:116,699,608, G>A. VCF-style: chr7-116699608-G-A. GRCh37 (hg19) VCF-style: chr7-116339662-G-A.
Other names: c.524G>A, p.Cys175Tyr (NM_001127500.3, NM_001324401.3); c.-91+27031G>A (NM_001324402.2); short protein forms C175Y.
Identifiers: ClinVar variation 948372 (VCV000948372.9), dbSNP rs1584877055, ClinGen allele CA368969271.

ClinVar aggregate classification (germline): Uncertain significance (1 of 4 stars; one submission).

Conditions:
Renal cell carcinoma. Identifiers: Orphanet 217071, MedGen C0007134, MeSH D002292, MONDO:0005086, HP:0005584.

gnomAD v4.1: 1 of 1,614,018 alleles (0.000062%); no homozygotes.

Submission:

Labcorp Genetics (formerly Invitae), Labcorp
Classification: Uncertain significance for Renal cell carcinoma. Last evaluated: 2019-04-17. Review status: criteria provided, single submitter. Criteria: Invitae Variant Classification Sherloc (09022015). Collection method: clinical testing. Allele origin: germline.
Comment: In summary, the available evidence is currently insufficient to determine the role of this variant in disease. Therefore, it has been classified as a Variant of Uncertain Significance. Algorithms developed to predict the effect of missense changes on protein structure and function are either unavailable or do not agree on the potential impact of this missense change (SIFT: "Deleterious"; PolyPhen-2: "Probably Damaging"; Align-GVGD: "Class C0"). This variant has not been reported in the literature in individuals with MET-related conditions. This variant is not present in population databases (ExAC no frequency). This sequence change replaces cysteine with tyrosine at codon 175 of the MET protein (p.Cys175Tyr). The cysteine residue is moderately conserved and there is a large physicochemical difference between cysteine and tyrosine.